The following is an entry in ClinVar:

ClinVar aggregate classification (germline): Benign/Likely benign. Review status: criteria provided, multiple submitters, no conflicts (2 of 4 stars). 3 submissions from 3 submitters: Benign (1); Likely benign (2). Last evaluated 2026-02-01.

Conditions:
FOXC1-related disorder. Also called: FOXC1-related condition.
Axenfeld-Rieger syndrome type 3 (RIEG3). Also called: AXENFELD-RIEGER ANOMALY WITH CARDIAC DEFECTS AND/OR SENSORINEURAL HEARING LOSS. Identifiers: Orphanet 782, MedGen C2678503, MONDO:0011233, OMIM 602482.

Allele frequency attached by ClinVar (database versions not stated): gnomAD exomes 0.00004; ExAC 0.00016; gnomAD 0.00037; ESP Exome Variant Server 0.00038; TOPMed 0.00045.
gnomAD v4.1: 109 of 1,613,924 alleles (0.0068%); highest among the groups gnomAD compares: African/African-American, 0.14%; no homozygotes.

Submissions (3):

Labcorp Genetics (formerly Invitae), Labcorp
Classification: Benign for Axenfeld-Rieger syndrome type 3. Last evaluated: 2026-02-01. Review status: criteria provided, single submitter. Criteria: Invitae Variant Classification Sherloc (09022015). Collection method: clinical testing. Allele origin: germline.

PreventionGenetics, part of Exact Sciences
Classification: Likely benign for FOXC1-related condition. Last evaluated: 2025-02-05. Review status: criteria provided, single submitter. Criteria: ACMG Guidelines, 2015. Collection method: clinical testing. Allele origin: germline.
Comment: This variant is classified as likely benign based on ACMG/AMP sequence variant interpretation guidelines (Richards et al. 2015 PMID: 25741868, with internal and published modifications).

Blueprint Genetics
Classification: Likely benign. Last evaluated: 2021-09-01. Review status: criteria provided, single submitter. Criteria: ACMG Guidelines, 2015. Collection method: clinical testing. Allele origin: germline.

NM_001453.3(FOXC1):c.423C>G (p.Arg141=)

Gene: FOXC1 (forkhead box C1; plus strand). Cytogenetic location: 6p25.3.
Variant type: single nucleotide variant.
Coding change: c.423C>G on transcript NM_001453.3 (MANE Select); coding-DNA position 423, C replaced by G.
Protein change: p.Arg141=; no amino-acid change (arginine 141 retained).
Molecular consequence: synonymous variant.
Genome position (GRCh38, 1-based): chr6:1,610,868, C>G. VCF-style: chr6-1610868-C-G. GRCh37 (hg19) VCF-style: chr6-1611103-C-G.
Other names: c.423C>G (NM_001453.2).
Identifiers: ClinVar variation 2041565 (VCV002041565.6), dbSNP rs142581779, ClinGen allele CA3614758.